The following is an entry in ClinVar:

NM_001379270.1(CNGA1):c.1824C>A (p.Asn608Lys)

Genes: CNGA1 (cyclic nucleotide gated channel subunit alpha 1; minus strand), LOC101927157 (uncharacterized LOC101927157; plus strand). Cytogenetic location: 4p12.
Variant type: single nucleotide variant.
Coding change: c.1824C>A on transcript NM_001379270.1 (MANE Select); coding-DNA position 1824, C replaced by A.
Protein change: p.Asn608Lys; replaces asparagine 608 with lysine.
Molecular consequence: missense variant.
Genome position (GRCh38, 1-based): chr4:47,936,658, G>T on the plus strand (C>A on the coding strand, the complement: CNGA1 is on the minus strand). VCF-style: chr4-47936658-G-T. GRCh37 (hg19) VCF-style: chr4-47938675-G-T.
Other names: c.1824C>A, p.Asn608Lys (NM_000087.5, NM_001142564.2); short protein forms N608K.
Identifiers: ClinVar variation 1958470 (VCV001958470.3), dbSNP rs1482170065, ClinGen allele CA356823580.

ClinVar aggregate classification (germline): Uncertain significance. Review status: criteria provided, multiple submitters, no conflicts (2 of 4 stars). 2 submissions from 2 submitters: Uncertain significance (2). Last evaluated 2021-11-28.

Allele frequency attached by ClinVar (database versions not stated): gnomAD 0.00001.
gnomAD v4.1: 1 of 1,614,022 alleles (0.000062%); highest among the groups gnomAD compares: Admixed American, 0.0017%; no homozygotes.

Submissions (2):

Labcorp Genetics (formerly Invitae), Labcorp
Classification: Uncertain significance. Last evaluated: 2021-11-28. Review status: criteria provided, single submitter. Criteria: Invitae Variant Classification Sherloc (09022015). Collection method: clinical testing. Allele origin: germline.
Comment: This sequence change replaces asparagine, which is neutral and polar, with lysine, which is basic and polar, at codon 612 of the CNGA1 protein (p.Asn612Lys). This variant is not present in population databases (gnomAD no frequency). This variant has not been reported in the literature in individuals affected with CNGA1-related conditions. Algorithms developed to predict the effect of missense changes on protein structure and function (SIFT, PolyPhen-2, Align-GVGD) all suggest that this variant is likely to be tolerated. In summary, the available evidence is currently insufficient to determine the role of this variant in disease. Therefore, it has been classified as a Variant of Uncertain Significance.

Blueprint Genetics
Classification: Uncertain significance. Last evaluated: 2019-10-14. Review status: criteria provided, single submitter. Criteria: ACMG Guidelines, 2015. Collection method: clinical testing. Allele origin: germline.